The following is an entry in ClinVar:

ClinVar aggregate classification (germline): Conflicting classifications of pathogenicity. Review status: criteria provided, conflicting classifications (1 of 4 stars). 2 submissions from 2 submitters: Uncertain significance (1); Likely benign (1). Last evaluated 2025-10-16.

Allele frequency attached by ClinVar (database versions not stated): gnomAD 0.00002 and 0.00003; ExAC 0.00006; gnomAD exomes 0.00008; TOPMed 0.00008; 1000 Genomes Project 30x 0.00031; 1000 Genomes Project 0.00040.
gnomAD v4.1: 63 of 1,613,478 alleles (0.0039%); highest among the groups gnomAD compares: East Asian, 0.051%; no homozygotes.

Submissions (2):

Labcorp Genetics (formerly Invitae), Labcorp
Classification: Uncertain significance. Last evaluated: 2025-10-16. Review status: criteria provided, single submitter. Criteria: Invitae Variant Classification Sherloc (09022015). Collection method: clinical testing. Allele origin: germline.
Comment: This sequence change replaces proline, which is neutral and non-polar, with leucine, which is neutral and non-polar, at codon 88 of the LRRC8A protein (p.Pro88Leu). This variant is present in population databases (rs200279236, gnomAD 0.04%). This variant has not been reported in the literature in individuals affected with LRRC8A-related conditions. ClinVar contains an entry for this variant (Variation ID: 1400758). An algorithm developed to predict the effect of missense changes on protein structure and function (PolyPhen-2) suggests that this variant is likely to be tolerated. In summary, the available evidence is currently insufficient to determine the role of this variant in disease. Therefore, it has been classified as a Variant of Uncertain Significance.

Blueprint Genetics
Classification: Likely benign. Last evaluated: 2021-08-04. Review status: criteria provided, single submitter. Criteria: ACMG Guidelines, 2015. Collection method: clinical testing. Allele origin: germline.

NM_019594.4(LRRC8A):c.263C>T (p.Pro88Leu)

Gene: LRRC8A (leucine rich repeat containing 8 VRAC subunit A; plus strand). Cytogenetic location: 9q34.11.
Variant type: single nucleotide variant.
Coding change: c.263C>T on transcript NM_019594.4 (MANE Select); coding-DNA position 263, C replaced by T.
Protein change: p.Pro88Leu; replaces proline 88 with leucine.
Molecular consequence: missense variant.
Genome position (GRCh38, 1-based): chr9:128,907,427, C>T. VCF-style: chr9-128907427-C-T. GRCh37 (hg19) VCF-style: chr9-131669706-C-T.
Other names: c.263C>T, p.Pro88Leu (NM_001127244.2, NM_001127245.2); short protein forms P88L.
Identifiers: ClinVar variation 1400758 (VCV001400758.7), dbSNP rs200279236, ClinGen allele CA5270690.